The following is an entry in ClinVar:

NM_000054.7(AVPR2):c.575G>C (p.Cys192Ser)

Gene: AVPR2 (arginine vasopressin receptor 2; plus strand). Cytogenetic location: Xq28.
Variant type: single nucleotide variant.
Coding change: c.575G>C on transcript NM_000054.7 (MANE Select); coding-DNA position 575, G replaced by C.
Protein change: p.Cys192Ser; replaces cysteine 192 with serine.
Molecular consequence: missense variant. On other transcripts: non-coding transcript variant (1).
Genome position (GRCh38, 1-based): chrX:153,906,081, G>C. VCF-style: chrX-153906081-G-C. GRCh37 (hg19) VCF-style: chrX-153171535-G-C.
Other names: c.575G>C, p.Cys192Ser (NM_001146151.3); c.575G>C (NM_000054.6); short protein forms C192S.
Identifiers: ClinVar variation 3234058 (VCV003234058.2), dbSNP rs2521156738, ClinGen allele CA415107284.
Genomic context (GRCh38, chrX:153,906,081, plus strand): 5'-TGCCCCAGCTCTTCATCTTCGCCCAGCGCAACGTGGAAGGTGGCAGCGGGGTCACTGACT[G>C]CTGGGCCTGCTTTGCGGAGCCCTGGGGCCGTCGCACCTATGTCACCTGGATTGCCCTGAT-3'
Protein context (NP_000045.1, residues 182-202): NVEGGSGVTD[Cys192Ser]WACFAEPWGR

ClinVar aggregate classification (germline): Conflicting classifications of pathogenicity. Review status: criteria provided, conflicting classifications (1 of 4 stars). 2 submissions from 2 submitters: Pathogenic (1); Uncertain significance (1). Last evaluated 2024-01-20.

Conditions:
Diabetes insipidus, nephrogenic, X-linked. Also called: Nephrogenic Diabetes Insipidus, Type I. Identifiers: Orphanet 223, MedGen C1563705, MONDO:0010581, OMIM 304800.
Nephrogenic syndrome of inappropriate antidiuresis (NSIAD). Identifiers: Orphanet 93606, MedGen C1845202, MONDO:0010356, OMIM 300539.

Submissions (2):

Fulgent Genetics
Classification: Uncertain significance for Nephrogenic syndrome of inappropriate antidiuresis; Diabetes insipidus, nephrogenic, X-linked. Last evaluated: 2024-01-20. Review status: criteria provided, single submitter. Criteria: ACMG Guidelines, 2015. Collection method: clinical testing. Allele origin: germline.

MVZ Medizinische Genetik Mainz
Classification: Pathogenic for Diabetes insipidus, nephrogenic, X-linked. Last evaluated: 2021-07-28. Review status: criteria provided, single submitter. Criteria: UK Practice Guidelines For Variant Classification V4 01 2020. Collection method: clinical testing. Allele origin: germline. Inheritance: X-linked recessive inheritance. Affected: yes. Observed: 1 variant allele.
Comment: ACMG Criteria: PS3, PM5, PS4_SUP, PM2_SUP, PP3, PP4 (ACMG Version 3)